The following is an entry in ClinVar:

ClinVar aggregate classification (germline): Likely benign (0 of 4 stars; one submission).

Conditions:
SLC28A1-related disorder. Also called: SLC28A1-related condition.

Allele frequency attached by ClinVar (database versions not stated): gnomAD 0.00001; TOPMed 0.00001; ExAC 0.00003.
gnomAD v4.1: 40 of 1,613,892 alleles (0.0025%); highest among the groups gnomAD compares: Non-Finnish European, 0.0034%; no homozygotes.

Submission:

PreventionGenetics, part of Exact Sciences
Classification: Likely benign for SLC28A1-related condition. Last evaluated: 2019-11-25. Review status: no assertion criteria provided. Collection method: clinical testing. Allele origin: germline.
Comment: This variant is classified as likely benign based on ACMG/AMP sequence variant interpretation guidelines (Richards et al. 2015 PMID: 25741868, with internal and published modifications).

NM_004213.5(SLC28A1):c.461+297C>G

Gene: SLC28A1 (solute carrier family 28 member 1; plus strand). Cytogenetic location: 15q25.3.
Variant type: single nucleotide variant.
Coding change: c.461+297C>G on transcript NM_004213.5 (MANE Select); 297 bases into the intron after coding-DNA position 461, C replaced by G.
Molecular consequence: intron variant. On other transcripts: synonymous variant (1).
Genome position (GRCh38, 1-based): chr15:84,895,420, C>G. VCF-style: chr15-84895420-C-G. GRCh37 (hg19) VCF-style: chr15-85438651-C-G.
Other names: c.504C>G, p.Leu168= (NM_201651.3); c.461+297C>G (NM_001321722.2, NM_001321721.2, NM_001287762.2 and 1 more transcripts).
Identifiers: ClinVar variation 3048865 (VCV003048865.2), dbSNP rs769108342, ClinGen allele CA7710380.
Genomic context (GRCh38, chr15:84,895,420, plus strand): 5'-ACAGTTTCCTCCATTCAGGGATCCCAGGCCATGGAGCAAGGAGGGCCCGAATCAGTACCT[C>G]CCTCAGATCACCTGGACAGTGTGAGACAAAAAGCCGCAGGGACCATCCCTGGAGGGGGAT-3'